The following is an entry in ClinVar:

NM_006158.5(NEFL):c.1019A>G (p.Gln340Arg)

Gene: NEFL (neurofilament light chain; minus strand). Cytogenetic location: 8p21.2.
Variant type: single nucleotide variant.
Coding change: c.1019A>G on transcript NM_006158.5 (MANE Select); coding-DNA position 1019, A replaced by G.
Protein change: p.Gln340Arg; replaces glutamine 340 with arginine.
Molecular consequence: missense variant.
Genome position (GRCh38, 1-based): chr8:24,955,497, T>C on the plus strand (A>G on the coding strand, the complement: NEFL is on the minus strand). VCF-style: chr8-24955497-T-C. GRCh37 (hg19) VCF-style: chr8-24813011-T-C.
Other names: short protein forms Q340R.
Identifiers: ClinVar variation 3652901 (VCV003652901.2).

ClinVar aggregate classification (germline): Uncertain significance (1 of 4 stars; one submission).

Conditions:
Charcot-Marie-Tooth disease type 2E (CMT2E). Also called: CHARCOT-MARIE-TOOTH DISEASE, AXONAL, TYPE 2E; CHARCOT-MARIE-TOOTH NEUROPATHY, TYPE 2E. Identifiers: Orphanet 99939, MedGen C1843225, MONDO:0011894, OMIM 607684.

gnomAD v4.1: 3 of 1,610,296 alleles (0.00019%); highest among the groups gnomAD compares: Non-Finnish European, 0.00025%; no homozygotes.

Submission:

Labcorp Genetics (formerly Invitae), Labcorp
Classification: Uncertain significance for Charcot-Marie-Tooth disease type 2E. Last evaluated: 2024-09-16. Review status: criteria provided, single submitter. Criteria: Invitae Variant Classification Sherloc (09022015). Collection method: clinical testing. Allele origin: germline.
Comment: This sequence change replaces glutamine, which is neutral and polar, with arginine, which is basic and polar, at codon 340 of the NEFL protein (p.Gln340Arg). This variant is not present in population databases (gnomAD no frequency). This variant has not been reported in the literature in individuals affected with NEFL-related conditions. Invitae Evidence Modeling of protein sequence and biophysical properties (such as structural, functional, and spatial information, amino acid conservation, physicochemical variation, residue mobility, and thermodynamic stability) has been performed for this missense variant. However, the output from this modeling did not meet the statistical confidence thresholds required to predict the impact of this variant on NEFL protein function. In summary, the available evidence is currently insufficient to determine the role of this variant in disease. Therefore, it has been classified as a Variant of Uncertain Significance.